The following is an entry in ClinVar:

ClinVar aggregate classification (germline): Pathogenic (0 of 4 stars; one submission).

Conditions:
Polycystic kidney disease. Also called: Polycystic kidney dysplasia; Kidney, Polycystic. Identifiers: MedGen C0022680, MeSH D007690, MONDO:0020642, HP:0000113.

Submission:

Department of Pathology and Laboratory Medicine, Sinai Health System
Classification: Pathogenic for Polycystic Kidney disease. Review status: no assertion criteria provided. Collection method: clinical testing. Allele origin: unknown. Affected: yes. Observed: 1 variant allele. Study: The Canadian Open Genetics Repository (COGR).
Comment: The PKD1 p.Pro2108HisfsX9 variant was not identified in the literature nor was it identified in the following databases: dbSNP, ClinVar, COGR, LOVD 3.0, ADPKD Mutation Database, or the PKD1-LOVD. The variant was not identified in the control databases: the 1000 Genomes Project, the NHLBI GO Exome Sequencing Project, the Exome Aggregation Consortium (August 8th 2016), or the Genome Aggregation Database (Feb 27, 2017). The c.6323_6330delinsACTCCTACCT variant is predicted to cause a frameshift, which alters the protein amino acid sequence beginning at codon 2108 and leads to a premature stop codon 9 amino acids downstream. This alteration is then predicted to result in a truncated or absent protein and loss of function. Loss of function variants of the PKD1 gene are an established mechanism of disease in autosomal dominant polycystic kidney disease and is the type of variant expected to cause the disorder. In summary, based on the above information this variant meets our laboratoryâ€šÃ„Ã´s criteria to be classified as pathogenic.

NM_001009944.3(PKD1):c.6323_6330delinsACTCCTACCT (p.Pro2108fs)

Gene: PKD1 (polycystin 1, transient receptor potential channel interacting; minus strand). Cytogenetic location: 16p13.3.
Variant type: Indel.
Coding change: c.6323_6330delinsACTCCTACCT on transcript NM_001009944.3 (MANE Select); coding-DNA positions 6323 to 6330, CCAGGGCC replaced by ACTCCTACCT.
Protein change: p.Pro2108fs; shifts the reading frame from proline 2108.
Molecular consequence: frameshift variant.
Genome position (GRCh38, 1-based): chr16:2,108,837-2,108,844, GGCCCTGG replaced by AGGTAGGAGT on the plus strand (CCAGGGCC replaced by ACTCCTACCT on the coding strand, the reverse complement: PKD1 is on the minus strand). VCF-style: chr16-2108837-GGCCCTGG-AGGTAGGAGT. GRCh37 (hg19) VCF-style: chr16-2158838-GGCCCTGG-AGGTAGGAGT.
Other names: c.6323_6330delinsACTCCTACCT, p.Pro2108fs (NM_000296.4); short protein forms P2108fs.
Identifiers: ClinVar variation 997373 (VCV000997373.1), dbSNP rs2092427579, ClinGen allele CA2202045857.